The following is an entry in ClinVar:

NM_000231.3(SGCG):c.117_120del (p.Val40fs)

Gene: SGCG (sarcoglycan gamma; plus strand). Cytogenetic location: 13q12.12.
Variant type: Microsatellite.
Coding change: c.117_120del on transcript NM_000231.3 (MANE Select); coding-DNA positions 117 to 120, 4 bases deleted (TGTT; older notation c.117_120delTGTT).
Protein change: p.Val40fs; shifts the reading frame from valine 40.
Molecular consequence: frameshift variant.
Genome position (GRCh38, 1-based): chr13:23,203,811-23,203,814, TGTT deleted; deleting any 4 consecutive bases within chr13:23,203,806-23,203,814 gives the same sequence; the c. name uses the placement nearest the transcript's 3' end. VCF-style (leftmost placement, unchanged base first): chr13-23203805-CTTGT-C. GRCh37 (hg19) VCF-style: chr13-23777944-CTTGT-C.
Other names: c.171_174del, p.Val58fs (NM_001378244.1); c.117_120del, p.Val40fs (NM_001378245.1, NM_001378246.1); short protein forms V58fs, V40fs.
Identifiers: ClinVar variation 5005234 (VCV005005234.2).
Genomic context (GRCh38, chr13:23,203,805, plus strand): 5'-GCCAGAGAATCAGTATGTCTACAAAATTGGCATTTATGGCTGGAGAAAGCGCTGTCTCTA[CTTGT>C]TTGTTCTTCTTTTACTCATCATCCTCGTTGTGAATTTAGCTCTTACAATTTGGATTCTTA-3'

ClinVar aggregate classification (germline): Likely pathogenic (1 of 4 stars; one submission).

Conditions:
Autosomal recessive limb-girdle muscular dystrophy type 2C (LGMDR5). Also called: MUSCULAR DYSTROPHY, DUCHENNE-LIKE; MUSCULAR DYSTROPHY, LIMB-GIRDLE, AUTOSOMAL RECESSIVE 5. Identifiers: Orphanet 353, MedGen C0410173, MONDO:0009677, OMIM 253700. Disease mechanism: Affects gamma-sarcoglycan and also disrupts the integrity of the entire sarcoglycan complex..

Submission:

Juno Genomics, Hangzhou Juno Genomics, Inc
Classification: Likely pathogenic for Autosomal recessive limb-girdle muscular dystrophy type 2C. Review status: criteria provided, single submitter. Criteria: ACMG Guidelines, 2015. Collection method: clinical testing. Allele origin: germline.
Comment: Null variant in a gene where loss of function (LOF) is a known mechanism of disease.;Absent from controls (or at extremely low frequency if recessive) in Genome Aggregation Database.